The following is an entry in ClinVar:

NM_000038.6(APC):c.1484T>C (p.Ile495Thr)

Gene: APC (APC regulator of Wnt signaling pathway; plus strand). Cytogenetic location: 5q22.2.
Variant type: single nucleotide variant.
Coding change: c.1484T>C on transcript NM_000038.6 (MANE Select); coding-DNA position 1484, T replaced by C.
Protein change: p.Ile495Thr; replaces isoleucine 495 with threonine.
Molecular consequence: missense variant.
Genome position (GRCh38, 1-based): chr5:112,827,183, T>C. VCF-style: chr5-112827183-T-C. GRCh37 (hg19) VCF-style: chr5-112162880-T-C.
Other names: c.1484T>C, p.Ile495Thr (NM_001127510.3, NM_001354895.2, NM_001407450.1); c.1430T>C, p.Ile477Thr (NM_001127511.3); c.1538T>C, p.Ile513Thr (NM_001354896.2, NM_001407447.1, NM_001407448.1 and 1 more transcripts); c.1514T>C, p.Ile505Thr (NM_001354897.2); c.1409T>C, p.Ile470Thr (NM_001354898.2); c.1400T>C, p.Ile467Thr (NM_001354899.2); c.1361T>C, p.Ile454Thr (NM_001354900.2); c.1307T>C, p.Ile436Thr (NM_001354901.2, NM_001407453.1); and 11 more; short protein forms I111T, I212T, I335T, I366T, I369T, I394T, I404T, I412T.
Identifiers: ClinVar variation 3232796 (VCV003232796.3), dbSNP rs1251824303, ClinGen allele CA16024558.
Genomic context (GRCh38, chr5:112,827,183, plus strand): 5'-TTGCAGAATTATTGCAAGTGGACTGTGAAATGTATGGGCTTACTAATGACCACTACAGTA[T>C]TACACTAAGACGATATGCTGGAATGGCTTTGACAAACTTGACTTTTGGAGATGTAGCCAA-3'
Protein context (NP_000029.2, residues 485-505): MYGLTNDHYS[Ile495Thr]TLRRYAGMAL

ClinVar aggregate classification (germline): Uncertain significance. Review status: criteria provided, multiple submitters, no conflicts (2 of 4 stars). 2 submissions from 2 submitters: Uncertain significance (2). Last evaluated 2025-10-20.

Conditions:
Hereditary cancer-predisposing syndrome. Also called: Neoplastic Syndromes, Hereditary; Tumor predisposition; Hereditary neoplastic syndrome; Hereditary Cancer Syndrome. Identifiers: Orphanet 140162, MedGen C0027672, MeSH D009386, MONDO:0015356.
Familial adenomatous polyposis 1 (FAP1). Also called: POLYPOSIS, ADENOMATOUS INTESTINAL; FAMILIAL ADENOMATOUS POLYPOSIS 1, ATTENUATED. Identifiers: MedGen C2713442, MONDO:0021056, OMIM 175100. Disease mechanism: loss of function.

Allele frequency attached by ClinVar (database versions not stated): gnomAD exomes below 0.00001.
gnomAD v4.1: 2 of 1,613,946 alleles (0.00012%); highest among the groups gnomAD compares: South Asian, 0.0022%; no homozygotes.

Submissions (2):

Labcorp Genetics (formerly Invitae), Labcorp
Classification: Uncertain significance for Familial adenomatous polyposis 1. Last evaluated: 2025-10-20. Review status: criteria provided, single submitter. Criteria: Invitae Variant Classification Sherloc (09022015). Collection method: clinical testing. Allele origin: germline.
Comment: This sequence change replaces isoleucine, which is neutral and non-polar, with threonine, which is neutral and polar, at codon 495 of the APC protein (p.Ile495Thr). This variant is present in population databases (no rsID available, gnomAD 0.003%). This variant has not been reported in the literature in individuals affected with APC-related conditions. ClinVar contains an entry for this variant (Variation ID: 3232796). Invitae Evidence Modeling of protein sequence and biophysical properties (such as structural, functional, and spatial information, amino acid conservation, physicochemical variation, residue mobility, and thermodynamic stability) indicates that this missense variant is not expected to disrupt APC protein function with a negative predictive value of 95%. In summary, the available evidence is currently insufficient to determine the role of this variant in disease. Therefore, it has been classified as a Variant of Uncertain Significance.

Ambry Genetics
Classification: Uncertain significance for Hereditary cancer-predisposing syndrome. Last evaluated: 2024-03-08. Review status: criteria provided, single submitter. Criteria: Ambry Variant Classification Scheme 2023. Collection method: clinical testing. Allele origin: germline.
Comment: The p.I495T variant (also known as c.1484T>C), located in coding exon 11 of the APC gene, results from a T to C substitution at nucleotide position 1484. The isoleucine at codon 495 is replaced by threonine, an amino acid with similar properties. This amino acid position is not well conserved in available vertebrate species. In addition, in silico predictors for this gene do not accurately predict pathogenicity. Based on the available evidence, the clinical significance of this alteration remains unclear.